The following is an entry in ClinVar:

NM_015474.4(SAMHD1):c.1583G>A (p.Arg528Lys)

Gene: SAMHD1 (SAM and HD domain containing deoxynucleoside triphosphate triphosphohydrolase 1; minus strand). Cytogenetic location: 20q11.23.
Variant type: single nucleotide variant.
Coding change: c.1583G>A on transcript NM_015474.4 (MANE Select); coding-DNA position 1583, G replaced by A.
Protein change: p.Arg528Lys; replaces arginine 528 with lysine.
Molecular consequence: missense variant. On other transcripts: intron variant (1).
Genome position (GRCh38, 1-based): chr20:36,898,465, C>T on the plus strand (G>A on the coding strand, the complement: SAMHD1 is on the minus strand). VCF-style: chr20-36898465-C-T. GRCh37 (hg19) VCF-style: chr20-35526868-C-T.
Other names: c.1583G>A (NM_015474.3); c.1583G>A, p.Arg528Lys (NM_001363733.2); c.1504-506G>A (NM_001363729.2); short protein forms R528K.
Identifiers: ClinVar variation 1494095 (VCV001494095.29), dbSNP rs199896513, ClinGen allele CA9844466.
Genomic context (GRCh38, chr20:36,898,465, plus strand): 5'-CCACTATAGTATATTTGTTTTGCCTAAGTAGTTACCTGGTTTTTAGTAATCCTGATTGCT[C>T]TGTTGGGGGCAGTCTTACAATAGAAGCTAACATGATCAATTGGATTCTTTTCTTGCATTC-3'
Protein context (NP_056289.2, residues 518-538): VSFYCKTAPN[Arg528Lys]AIRITKNQVS

ClinVar aggregate classification (germline): Conflicting classifications of pathogenicity. Review status: criteria provided, conflicting classifications (1 of 4 stars). 4 submissions from 4 submitters: Uncertain significance (2); Likely benign (2). Last evaluated 2025-06-18.

Conditions:
Aicardi-Goutieres syndrome 5. Identifiers: Orphanet 51, MedGen C2749659, MONDO:0013059, OMIM 612952.
Inborn genetic diseases. Identifiers: MedGen C0950123, MeSH D030342.

Allele frequency attached by ClinVar (database versions not stated): TOPMed 0.00013; 1000 Genomes Project 0.00020; 1000 Genomes Project 30x 0.00031; gnomAD exomes 0.00002 and 0.00004; ExAC 0.00003; gnomAD 0.00009.

Submissions (4):

Ambry Genetics
Classification: Likely benign for Inborn genetic diseases. Last evaluated: 2025-06-18. Review status: criteria provided, single submitter. Criteria: Ambry Variant Classification Scheme 2023. Collection method: clinical testing. Allele origin: germline.

Labcorp Genetics (formerly Invitae), Labcorp
Classification: Uncertain significance for Aicardi-Goutieres syndrome 5. Last evaluated: 2022-09-27. Review status: criteria provided, single submitter. Criteria: Invitae Variant Classification Sherloc (09022015). Collection method: clinical testing. Allele origin: germline.
Comment: This sequence change replaces arginine, which is basic and polar, with lysine, which is basic and polar, at codon 528 of the SAMHD1 protein (p.Arg528Lys). This variant is present in population databases (rs199896513, gnomAD 0.02%). This variant has not been reported in the literature in individuals affected with SAMHD1-related conditions. ClinVar contains an entry for this variant (Variation ID: 1494095). Advanced modeling of protein sequence and biophysical properties (such as structural, functional, and spatial information, amino acid conservation, physicochemical variation, residue mobility, and thermodynamic stability) performed at Invitae indicates that this missense variant is not expected to disrupt SAMHD1 protein function. In summary, the available evidence is currently insufficient to determine the role of this variant in disease. Therefore, it has been classified as a Variant of Uncertain Significance.

CeGaT Center for Human Genetics Tuebingen
Classification: Likely benign. Last evaluated: 2022-09-01. Review status: criteria provided, single submitter. Criteria: CeGaT Center For Human Genetics Tuebingen Variant Classification Criteria Version 2. Collection method: clinical testing. Allele origin: germline. Affected: yes. Observed: 1 variant allele.
Comment: SAMHD1: BP4

Breakthrough Genomics
Classification: Uncertain significance. Review status: criteria provided, single submitter. Criteria: ACMG Guidelines, 2015. Collection method: not provided. Allele origin: germline. Inheritance: Autosomal dominant inheritance. Affected: yes.